The following is an entry in ClinVar:

ClinVar aggregate classification (germline): Uncertain significance (1 of 4 stars; one submission).

Allele frequency attached by ClinVar (database versions not stated): gnomAD exomes 0.00001.
gnomAD v4.1: 14 of 1,612,894 alleles (0.00087%); highest among the groups gnomAD compares: South Asian, 0.014%; 1 homozygote.

Submission:

Labcorp Genetics (formerly Invitae), Labcorp
Classification: Uncertain significance. Last evaluated: 2021-09-03. Review status: criteria provided, single submitter. Criteria: Invitae Variant Classification Sherloc (09022015). Collection method: clinical testing. Allele origin: germline.
Comment: In summary, the available evidence is currently insufficient to determine the role of this variant in disease. Therefore, it has been classified as a Variant of Uncertain Significance. Algorithms developed to predict the effect of sequence changes on RNA splicing suggest that this variant may create or strengthen a splice site. Algorithms developed to predict the effect of missense changes on protein structure and function (SIFT, PolyPhen-2, Align-GVGD) all suggest that this variant is likely to be disruptive. This variant has not been reported in the literature in individuals affected with CYP2R1-related conditions. This variant is not present in population databases (ExAC no frequency). This sequence change replaces glycine with serine at codon 305 of the CYP2R1 protein (p.Gly305Ser). The glycine residue is highly conserved and there is a small physicochemical difference between glycine and serine.

NM_024514.5(CYP2R1):c.913G>A (p.Gly305Ser)

Genes: CYP2R1 (cytochrome P450 family 2 subfamily R member 1; minus strand), PDE3B (phosphodiesterase 3B; plus strand). Cytogenetic location: 11p15.2.
Variant type: single nucleotide variant.
Coding change: c.913G>A on transcript NM_024514.5 (MANE Select); coding-DNA position 913, G replaced by A.
Protein change: p.Gly305Ser; replaces glycine 305 with serine.
Molecular consequence: missense variant.
Genome position (GRCh38, 1-based): chr11:14,880,223, C>T on the plus strand (G>A on the coding strand, the complement: CYP2R1 is on the minus strand). VCF-style: chr11-14880223-C-T. GRCh37 (hg19) VCF-style: chr11-14901769-C-T.
Other names: c.568G>A, p.Gly190Ser (NM_001377214.1, NM_001377215.1, NM_001377216.1 and 1 more transcripts); c.751G>A, p.Gly251Ser (NM_001377217.1); short protein forms G305S, G251S, G190S.
Identifiers: ClinVar variation 1356309 (VCV001356309.6), dbSNP rs2134020791, ClinGen allele CA379746824.